The following is an entry in ClinVar:

ClinVar aggregate classification (germline): Uncertain significance (1 of 4 stars; one submission).

Conditions:
Autosomal recessive severe congenital neutropenia due to CSF3R deficiency. Also called: Neutropenia, severe congenital, 7, autosomal recessive. Identifiers: Orphanet 420702, MedGen C4310764, MONDO:0014865, OMIM 617014.

gnomAD v4.1: 1 of 1,597,636 alleles (0.000063%); highest among the groups gnomAD compares: Non-Finnish European, 0.000085%; no homozygotes.

Submission:

Labcorp Genetics (formerly Invitae), Labcorp
Classification: Uncertain significance for Autosomal recessive severe congenital neutropenia due to CSF3R deficiency. Last evaluated: 2025-03-05. Review status: criteria provided, single submitter. Criteria: Invitae Variant Classification Sherloc (09022015). Collection method: clinical testing. Allele origin: germline.
Comment: This sequence change replaces leucine, which is neutral and non-polar, with proline, which is neutral and non-polar, at codon 227 of the CSF3R protein (p.Leu227Pro). This variant is not present in population databases (gnomAD no frequency). This variant has not been reported in the literature in individuals affected with CSF3R-related conditions. Invitae Evidence Modeling of protein sequence and biophysical properties (such as structural, functional, and spatial information, amino acid conservation, physicochemical variation, residue mobility, and thermodynamic stability) indicates that this missense variant is not expected to disrupt CSF3R protein function with a negative predictive value of 80%. In summary, the available evidence is currently insufficient to determine the role of this variant in disease. Therefore, it has been classified as a Variant of Uncertain Significance.

NM_000760.4(CSF3R):c.680T>C (p.Leu227Pro)

Gene: CSF3R (colony stimulating factor 3 receptor; minus strand). Cytogenetic location: 1p34.3.
Variant type: single nucleotide variant.
Coding change: c.680T>C on transcript NM_000760.4 (MANE Select); coding-DNA position 680, T replaced by C.
Protein change: p.Leu227Pro; replaces leucine 227 with proline.
Molecular consequence: missense variant.
Genome position (GRCh38, 1-based): chr1:36,472,680, A>G on the plus strand (T>C on the coding strand, the complement: CSF3R is on the minus strand). VCF-style: chr1-36472680-A-G. GRCh37 (hg19) VCF-style: chr1-36938281-A-G.
Other names: c.680T>C, p.Leu227Pro (NM_156039.3, NM_172313.3); short protein forms L227P.
Identifiers: ClinVar variation 4767404 (VCV004767404.1).